The following is an entry in ClinVar:

NM_031483.7(ITCH):c.377A>G (p.Lys126Arg)

Gene: ITCH (itchy E3 ubiquitin protein ligase; plus strand). Cytogenetic location: 20q11.22.
Variant type: single nucleotide variant.
Coding change: c.377A>G on transcript NM_031483.7 (MANE Select); coding-DNA position 377, A replaced by G.
Protein change: p.Lys126Arg; replaces lysine 126 with arginine.
Molecular consequence: missense variant.
Genome position (GRCh38, 1-based): chr20:34,413,781, A>G. VCF-style: chr20-34413781-A-G. GRCh37 (hg19) VCF-style: chr20-33001587-A-G.
Other names: c.377A>G, p.Lys126Arg (NM_001257137.3, NM_001324197.2, NM_001324198.2); c.47A>G, p.Lys16Arg (NM_001257138.3); short protein forms K16R, K126R.
Identifiers: ClinVar variation 3730657 (VCV003730657.2).
Genomic context (GRCh38, chr20:34,413,781, plus strand): 5'-TGTAACTTTATTTTCTTCCAGTTGAAGAAGTAGTTGTGACTTTGCAGCTTGGAGGTGACA[A>G]AGAGCCAACAGAGACAATAGGAGACTTGTCAATTTGTCTTGATGGGCTACAGTTAGAGTC-3'
Protein context (NP_113671.3, residues 116-136): VVVTLQLGGD[Lys126Arg]EPTETIGDLS

ClinVar aggregate classification (germline): Conflicting classifications of pathogenicity. Review status: criteria provided, conflicting classifications (1 of 4 stars). 2 submissions from 2 submitters: Uncertain significance (1); Likely benign (1). Last evaluated 2025-03-27.

Conditions:
Syndromic multisystem autoimmune disease due to ITCH deficiency. Also called: AUTOIMMUNE DISEASE, MULTISYSTEM, WITH FACIAL DYSMORPHISM. Identifiers: Orphanet 228426, MedGen C3150649, MONDO:0013245, OMIM 613385.
Inborn genetic diseases. Identifiers: MedGen C0950123, MeSH D030342.

gnomAD v4.1: 11 of 1,612,504 alleles (0.00068%); highest among the groups gnomAD compares: South Asian, 0.0022%; no homozygotes.

Submissions (2):

Ambry Genetics
Classification: Likely benign for Inborn genetic diseases. Last evaluated: 2025-03-27. Review status: criteria provided, single submitter. Criteria: Ambry Variant Classification Scheme 2023. Collection method: clinical testing. Allele origin: germline.

Labcorp Genetics (formerly Invitae), Labcorp
Classification: Uncertain significance for Syndromic multisystem autoimmune disease due to ITCH deficiency. Last evaluated: 2024-03-13. Review status: criteria provided, single submitter. Criteria: Invitae Variant Classification Sherloc (09022015). Collection method: clinical testing. Allele origin: germline.
Comment: This sequence change replaces lysine, which is basic and polar, with arginine, which is basic and polar, at codon 126 of the ITCH protein (p.Lys126Arg). This variant is not present in population databases (gnomAD no frequency). This variant has not been reported in the literature in individuals affected with ITCH-related conditions. Algorithms developed to predict the effect of missense changes on protein structure and function output the following: SIFT: "Not Available"; PolyPhen-2: "Benign"; Align-GVGD: "Not Available". The arginine amino acid residue is found in multiple mammalian species, which suggests that this missense change does not adversely affect protein function. In summary, the available evidence is currently insufficient to determine the role of this variant in disease. Therefore, it has been classified as a Variant of Uncertain Significance.